The following is an entry in ClinVar:

NM_002249.6(KCNN3):c.200AGC[20] (p.Gln75_Gln80dup)

Gene: KCNN3 (potassium calcium-activated channel subfamily N member 3; minus strand). Cytogenetic location: 1q21.3.
Variant type: Microsatellite.
Coding change: c.200AGC[20] on transcript NM_002249.6 (MANE Select); 20 copies in a row of the 3-base unit AGC starting at c.200; the reference has 14 copies in a row; six copies, 18 bases duplicated.
Protein change: p.Gln75_Gln80dup.
Molecular consequence: inframe insertion.
Genome position (GRCh38, 1-based): chr1:154,869,724-154,869,741, GCTGCTGCTGCTGCTGCT duplicated on the plus strand (AGCAGCAGCAGCAGCAGC on the coding strand, the reverse complement: KCNN3 is on the minus strand); duplicating any 18 consecutive bases within chr1:154,869,724-154,869,766 gives the same sequence; the position shown is the placement nearest the transcript's 3' end. VCF-style (leftmost placement, unchanged base first): chr1-154869723-G-GGCTGCTGCTGCTGCTGCT. GRCh37 (hg19) VCF-style: chr1-154842199-G-GGCTGCTGCTGCTGCTGCT.
Other names: NM_001204087.1:c.224_241dup; c.200AGC[20], p.Gln75_Gln80dup (NM_001204087.2); c.224_241dup18 (NM_001204087.1).
Identifiers: ClinVar variation 403005 (VCV000403005.10), dbSNP rs3831942, ClinGen allele CA1132328.
Genomic context (GRCh38, chr1:154,869,723, plus strand): 5'-AGCAGGCCAGGGTGGACGGGCTGGCTCTGGAGTTGGGCGAGCTGAGACAGGGGATGCGGT[G>GGCTGCTGCTGCTGCTGCT]GCTGCTGCTGCTGCTGCTGCTGCTGCTGCTGCTGCTGCTGCTGAAGCTGCGGAGGCTGAG-3'

ClinVar aggregate classification (germline): Benign/Likely benign. Review status: criteria provided, multiple submitters, no conflicts (2 of 4 stars). 7 submissions from 7 submitters: Benign (4); Likely benign (3). Last evaluated 2025-08-19.

Conditions:
KCNN3-related disorder. Also called: KCNN3-related condition.
Zimmermann-Laband syndrome 3. Identifiers: MedGen C5231447, MONDO:0032854, OMIM 618658.

Submissions (7):

PreventionGenetics, part of Exact Sciences
Classification: Likely benign for KCNN3-related condition. Last evaluated: 2025-08-19. Review status: criteria provided, single submitter. Criteria: ACMG Guidelines, 2015. Collection method: clinical testing. Allele origin: germline.
Comment: This variant is classified as likely benign based on ACMG/AMP sequence variant interpretation guidelines (Richards et al. 2015 PMID: 25741868, with internal and published modifications).

Laboratory of Genetics, Children's Clinical University Hospital Latvia
Classification: Benign. Last evaluated: 2025-02-16. Review status: criteria provided, single submitter. Criteria: ACMG Guidelines, 2015. Collection method: clinical testing. Allele origin: germline. Affected: yes.

Blueprint Genetics
Classification: Likely benign. Last evaluated: 2024-11-26. Review status: criteria provided, single submitter. Criteria: ACMG Guidelines, 2015. Collection method: clinical testing. Allele origin: germline.

Genomic Medicine Center of Excellence, King Faisal Specialist Hospital and Research Centre
Classification: Benign for Zimmermann-Laband syndrome 3. Last evaluated: 2023-12-12. Review status: criteria provided, single submitter. Criteria: ACMG Guidelines, 2015. Collection method: research. Allele origin: germline.

Mendelics
Classification: Benign. Last evaluated: 2022-05-04. Review status: criteria provided, single submitter. Criteria: Mendelics Assertion Criteria 2019. Collection method: clinical testing. Allele origin: germline.

GeneDx
Classification: Likely benign. Last evaluated: 2018-04-10. Review status: criteria provided, single submitter. Criteria: GeneDx Variant Classification (06012015). Collection method: clinical testing. Allele origin: germline. Affected: yes.
Comment: This variant is considered likely benign or benign based on one or more of the following criteria: it is a conservative change, it occurs at a poorly conserved position in the protein, it is predicted to be benign by multiple in silico algorithms, and/or has population frequency not consistent with disease.

Laboratory for Molecular Medicine, Mass General Brigham Personalized Medicine
Classification: Benign. Last evaluated: 2016-03-28. Review status: criteria provided, single submitter. Criteria: LMM Criteria. Collection method: clinical testing. Allele origin: germline.
Comment: Variant identified in a genome or exome case(s) and assessed due to predicted null impact of the variant or pathogenic assertions in the literature or databases. Disclaimer: This variant has not undergone full assessment. The following are preliminary notes: Frequency